The following is an entry in ClinVar:

ClinVar aggregate classification (germline): Conflicting classifications of pathogenicity. Review status: criteria provided, conflicting classifications (1 of 4 stars). 8 submissions from 8 submitters: Uncertain significance (1); Benign (3); Likely benign (3). 1 of the submissions does not count toward it. Last evaluated 2026-05-01.

Conditions:
Lymphangiomyomatosis (LAM). Also called: Lymphangioleiomyomatosis, somatic; Lymphangioleiomyomatosis. Identifiers: Orphanet 538, MedGen C0751674, MONDO:0011705, OMIM 606690.
Isolated focal cortical dysplasia type II (FCORD2). Also called: CORTICAL DYSPLASIA OF TAYLOR; Focal cortical dysplasia type II. Identifiers: Orphanet 268994, MedGen C1846385, MONDO:0011818, OMIM 607341, HP:0032051.
Tuberous sclerosis 2 (TSC2). Identifiers: Orphanet 805, MedGen C1860707, MONDO:0013199, OMIM 613254.
TSC2-related disorder. Also called: TSC2-Related Disorders; TSC2-related condition.
Hereditary cancer-predisposing syndrome. Also called: Tumor predisposition; Hereditary neoplastic syndrome; Hereditary Cancer Syndrome; Neoplastic Syndromes, Hereditary. Identifiers: Orphanet 140162, MedGen C0027672, MeSH D009386, MONDO:0015356.
Tuberous sclerosis syndrome (TSC). Also called: Tuberous Sclerosis Complex; Tuberous sclerosis. Identifiers: Orphanet 805, MedGen C0041341, MONDO:0001734.

Allele frequency attached by ClinVar (database versions not stated): gnomAD 0.00001 and 0.00003; gnomAD exomes 0.00002 and 0.00006; ExAC 0.00003; TOPMed 0.00003.
gnomAD v4.1: 33 of 1,612,706 alleles (0.002%); highest among the groups gnomAD compares: Admixed American, 0.038%; no homozygotes.

Submissions (8):

CeGaT Center for Human Genetics Tuebingen
Classification: Likely benign. Last evaluated: 2026-05-01. Review status: criteria provided, single submitter. Criteria: CeGaT Center For Human Genetics Tuebingen Variant Classification Criteria Version 2. Collection method: clinical testing. Allele origin: germline. Affected: yes. Observed: 1 variant allele.
Comment: TSC2: BP4, BP7

Labcorp Genetics (formerly Invitae), Labcorp
Classification: Benign for Tuberous sclerosis 2. Last evaluated: 2026-01-31. Review status: criteria provided, single submitter. Criteria: Invitae Variant Classification Sherloc (09022015). Collection method: clinical testing. Allele origin: germline.

Myriad Genetics, Inc.
Classification: Benign for Tuberous sclerosis 2. Last evaluated: 2025-06-02. Review status: criteria provided, single submitter. Criteria: Myriad Autosomal Dominant, Autosomal Recessive and X-Linked Classification Criteria (2023). Collection method: clinical testing. Allele origin: unknown.
Comment: This variant is considered benign. This variant is a silent/synonymous amino acid change and it is not expected to impact splicing.

All of Us Research Program, National Institutes of Health
Classification: Benign for Tuberous sclerosis syndrome. Last evaluated: 2024-01-22. Review status: criteria provided, single submitter. Criteria: ACMG Guidelines, 2015. Collection method: clinical testing. Allele origin: germline. Inheritance: Autosomal dominant inheritance. Observed: 6 variant alleles, 6 heterozygotes.
Comment: This study involves interpretation of variants in research participants for the purpose of population health screening. Participant phenotype was not available at the time of variant classification. Additional details can be found in publication PMID: 35346344, PMCID: PMC8962531

Genome-Nilou Lab
Classification: Likely benign for Tuberous sclerosis 2. Last evaluated: 2021-11-07. Review status: criteria provided, single submitter. Criteria: ACMG Guidelines, 2015. Collection method: clinical testing. Allele origin: germline. Affected: no.

Ambry Genetics
Classification: Likely benign for Hereditary cancer-predisposing syndrome. Last evaluated: 2019-02-06. Review status: criteria provided, single submitter. Criteria: Ambry Variant Classification Scheme 2023. Collection method: clinical testing. Allele origin: germline.

Center for Genomics, Ann and Robert H. Lurie Children's Hospital of Chicago
Classification: Uncertain significance for Lymphangiomyomatosis; Isolated focal cortical dysplasia type II; Tuberous sclerosis 2. Review status: criteria provided, single submitter. Criteria: ACMG Guidelines, 2015. Collection method: clinical testing. Allele origin: germline.
Comment: TSC2 NM_000548.4 exon 34 p.Val1362= (c.4086C>T): This variant has not been reported in the literature but is present in 14/33554 Latino alleles in the Genome Aggregation Database. This variant is present in ClinVar (Variation ID:413692). Evolutionary conservation and computational predictive tools for this variant are limited or unavailable. Of note, this variant is a silent variant and does not change the amino acid, reducing the probability that this variant is disease causing. In summary, data on this variant is insufficient for disease classification. Therefore, the clinical significance of this variant is uncertain.

PreventionGenetics, part of Exact Sciences
Classification: Likely benign for TSC2-related condition. Last evaluated: 2023-09-05. Review status: no assertion criteria provided. Collection method: clinical testing. Allele origin: germline. Not counted in ClinVar's aggregate classification.
Comment: This variant is classified as likely benign based on ACMG/AMP sequence variant interpretation guidelines (Richards et al. 2015 PMID: 25741868, with internal and published modifications).

NM_000548.5(TSC2):c.4086C>T (p.Val1362=)

Gene: TSC2 (TSC complex subunit 2; plus strand). Cytogenetic location: 16p13.3.
Variant type: single nucleotide variant.
Coding change: c.4086C>T on transcript NM_000548.5 (MANE Select); coding-DNA position 4086, C replaced by T.
Protein change: p.Val1362=; no amino-acid change (valine 1362 retained).
Molecular consequence: synonymous variant.
Genome position (GRCh38, 1-based): chr16:2,084,308, C>T. VCF-style: chr16-2084308-C-T. GRCh37 (hg19) VCF-style: chr16-2134309-C-T.
Other names: c.3885C>T, p.Val1295= (NM_001077183.3); c.4017C>T, p.Val1339= (NM_001114382.3); c.3777C>T, p.Val1259= (NM_001318827.2); c.3741C>T, p.Val1247= (NM_001318829.2); c.3354C>T, p.Val1118= (NM_001318831.2); c.3918C>T, p.Val1306= (NM_001318832.2); c.3888C>T, p.Val1296= (NM_001363528.2); c.3954C>T, p.Val1318= (NM_001370404.1); and 2 more.
Identifiers: ClinVar variation 413692 (VCV000413692.26), dbSNP rs763847509, ClinGen allele CA050396.